The following is an entry in ClinVar:

NM_174936.4(PCSK9):c.637G>A (p.Gly213Arg)

Gene: PCSK9 (proprotein convertase subtilisin/kexin type 9; plus strand). Cytogenetic location: 1p32.3.
Variant type: single nucleotide variant.
Coding change: c.637G>A on transcript NM_174936.4 (MANE Select); coding-DNA position 637, G replaced by A.
Protein change: p.Gly213Arg; replaces glycine 213 with arginine.
Molecular consequence: missense variant.
Genome position (GRCh38, 1-based): chr1:55,052,391, G>A. VCF-style: chr1-55052391-G-A. GRCh37 (hg19) VCF-style: chr1-55518064-G-A.
Other names: c.760G>A, p.Gly254Arg (NM_001407240.1); c.637G>A, p.Gly213Arg (NM_001407241.1, NM_001407242.1, NM_001407244.1 and 1 more transcripts); c.580G>A, p.Gly194Arg (NM_001407243.1); c.445G>A, p.Gly149Arg (NM_001407245.1); c.262G>A, p.Gly88Arg (NM_001407246.1); short protein forms G213R, G149R, G254R, G194R, G88R.
Identifiers: ClinVar variation 1332164 (VCV001332164.8), dbSNP rs267598661, ClinGen allele CA043535.

ClinVar aggregate classification (germline): Uncertain significance. Review status: criteria provided, multiple submitters, no conflicts (2 of 4 stars). 3 submissions from 3 submitters: Uncertain significance (3). Last evaluated 2025-08-20.

Conditions:
Familial hypercholesterolemia. Also called: Familial hypercholesterolemias; Familial hypercholesterolaemia. Identifiers: MedGen C0020445, MONDO:0005439.
Hypercholesterolemia, autosomal dominant, 3 (FHCL3). Also called: Familial hypercholesterolemia 3; PCSK9-Related Familial Hypercholesterolemia, Autosomal Dominant; Familial Hypercholesterolemia, Autosomal Dominant, 3. Identifiers: MedGen C1863551, MONDO:0011369, OMIM 603776.

Allele frequency attached by ClinVar (database versions not stated): ExAC 0.00001; gnomAD 0.00001; gnomAD exomes 0.00001; TOPMed 0.00001.
gnomAD v4.1: 22 of 1,613,690 alleles (0.0014%); highest among the groups gnomAD compares: Non-Finnish European, 0.0017%; no homozygotes.

Submissions (3):

Color Diagnostics, LLC DBA Color Health
Classification: Uncertain significance for Familial hypercholesterolemia. Last evaluated: 2025-08-20. Review status: criteria provided, single submitter. Criteria: ACMG Guidelines, 2015. Collection method: clinical testing. Allele origin: germline.
Comment: This missense variant replaces glycine with arginine at codon 213 of the PCSK9 protein. Computational prediction is inconclusive regarding the impact of this variant on protein structure and function. To our knowledge, functional studies have not been reported for this variant. This variant has not been reported in individuals affected with PCSK9-related disorders in the literature. This variant has been identified in 2/251166 chromosomes in the general population by the Genome Aggregation Database (gnomAD). The available evidence is insufficient to determine the role of this variant in disease conclusively. Therefore, this variant is classified as a Variant of Uncertain Significance.

GeneDx
Classification: Uncertain significance. Last evaluated: 2025-03-21. Review status: criteria provided, single submitter. Criteria: GeneDx Variant Classification Process June 2021. Collection method: clinical testing. Allele origin: germline. Affected: yes.
Comment: Not observed at significant frequency in large population cohorts (gnomAD); In silico analysis supports that this missense variant has a deleterious effect on protein structure/function; Has not been previously published as pathogenic or benign to our knowledge

All of Us Research Program, National Institutes of Health
Classification: Uncertain significance for Hypercholesterolemia, autosomal dominant, 3. Last evaluated: 2023-10-23. Review status: criteria provided, single submitter. Criteria: ACMG Guidelines, 2015. Collection method: clinical testing. Allele origin: germline. Inheritance: Autosomal dominant inheritance. Observed: 3 variant alleles, 3 heterozygotes.
Comment: This missense variant replaces glycine with arginine at codon 213 of the PCSK9 protein. Computational prediction is inconclusive regarding the impact of this variant on protein structure and function (internally defined REVEL score threshold 0.5 < inconclusive < 0.7, PMID: 27666373). To our knowledge, functional studies have not been reported for this variant. This variant has not been reported in individuals affected with familial hypercholesterolemia in the literature. This variant has been identified in 2/251166 chromosomes in the general population by the Genome Aggregation Database (gnomAD). The available evidence is insufficient to determine the role of this variant in disease conclusively. Therefore, this variant is classified as a Variant of Uncertain Significance.

This study involves interpretation of variants in research participants for the purpose of population health screening. Participant phenotype was not available at the time of variant classification. Additional details can be found in publication PMID: 35346344, PMCID: PMC8962531